The following is an entry in ClinVar:

ClinVar aggregate classification (germline): Benign/Likely benign. Review status: criteria provided, multiple submitters, no conflicts (2 of 4 stars). 18 submissions from 18 submitters: Benign (12); Likely benign (1). 5 of the submissions do not count toward it. Last evaluated 2026-08-01.

Conditions:
Distal myopathy with posterior leg and anterior hand involvement. Also called: WILLIAMS DISTAL MYOPATHY. Identifiers: Orphanet 63273, MedGen C3279722, MONDO:0013550, OMIM 614065.
Hypertrophic cardiomyopathy 26. Also called: Cardiomyopathy, familial hypertrophic, 26. Identifiers: Orphanet 75249, MedGen C4310749, MONDO:0014883, OMIM 617047.
Myofibrillar myopathy 5. Also called: Filaminopathy (type); FILAMINOPATHY, AUTOSOMAL DOMINANT. Identifiers: Orphanet 171445, MedGen C1836050, MONDO:0012289, OMIM 609524.

Allele frequency attached by ClinVar (database versions not stated): TOPMed 0.00267; gnomAD 0.00286 and 0.00303; ESP Exome Variant Server 0.00342; 1000 Genomes Project 0.00399; 1000 Genomes Project 30x 0.00406; gnomAD exomes 0.00428 and 0.00484; ExAC 0.00466.
gnomAD v4.1: 7,434 of 1,613,030 alleles (0.46%); highest among the groups gnomAD compares: South Asian, 1.1%; 30 homozygotes.

Submissions (18):

CeGaT Center for Human Genetics Tuebingen
Classification: Benign. Last evaluated: 2026-08-01. Review status: criteria provided, single submitter. Criteria: CeGaT Center For Human Genetics Tuebingen Variant Classification Criteria Version 2. Collection method: clinical testing. Allele origin: germline. Affected: yes. Observed: 17 variant alleles.
Comment: FLNC: BP4, BS1, BS2

Labcorp Genetics (formerly Invitae), Labcorp
Classification: Benign for Distal myopathy with posterior leg and anterior hand involvement; Myofibrillar myopathy 5; Hypertrophic cardiomyopathy 26. Last evaluated: 2026-02-03. Review status: criteria provided, single submitter. Criteria: Invitae Variant Classification Sherloc (09022015). Collection method: clinical testing. Allele origin: germline.

Molecular Diagnostic Laboratory for Inherited Cardiovascular Disease, Montreal Heart Institute
Classification: Benign. Last evaluated: 2025-04-09. Review status: criteria provided, single submitter. Criteria: ACMG Guidelines, 2015. Collection method: clinical testing. Allele origin: germline. Affected: no.

ARUP Laboratories, Molecular Genetics and Genomics, ARUP Laboratories
Classification: Benign. Last evaluated: 2025-03-13. Review status: criteria provided, single submitter. Criteria: ARUP Molecular Germline Variant Investigation Process 2024. Collection method: clinical testing. Allele origin: germline.

Blueprint Genetics
Classification: Likely benign. Last evaluated: 2024-11-26. Review status: criteria provided, single submitter. Criteria: ACMG Guidelines, 2015. Collection method: clinical testing. Allele origin: germline.

Athena Diagnostics
Classification: Benign. Last evaluated: 2023-12-12. Review status: criteria provided, single submitter. Criteria: Athena Diagnostics Criteria. Collection method: clinical testing. Allele origin: unknown.

Women's Health and Genetics/Laboratory Corporation of America, LabCorp
Classification: Benign. Last evaluated: 2023-12-10. Review status: criteria provided, single submitter. Criteria: LabCorp Variant Classification Summary - May 2015. Collection method: clinical testing. Allele origin: germline.

Mayo Clinic Laboratories, Mayo Clinic
Classification: Benign. Last evaluated: 2023-10-10. Review status: criteria provided, single submitter. Criteria: ACMG Guidelines, 2015. Collection method: clinical testing. Allele origin: germline. Observed: 14 variant alleles.
Comment: BS1, BS2, BP4, BP7

Laboratory for Molecular Medicine, Mass General Brigham Personalized Medicine
Classification: Benign. Last evaluated: 2017-04-10. Review status: criteria provided, single submitter. Criteria: LMM Criteria. Collection method: clinical testing. Allele origin: germline. Observed: 1 variant allele.
Comment: c.4928-7T>C in intron 28 of FLNC: This variant is not expected to have clinical significance because it has been identified in 1.1% (185/16270) of South Asian c hromosomes, including 1 homozygote by the Exome Aggregation Consortium (ExAC; dbSNP rs201957008).

GeneDx
Classification: Benign. Last evaluated: 2016-08-26. Review status: criteria provided, single submitter. Criteria: GeneDx Variant Classification (06012015). Collection method: clinical testing. Allele origin: germline. Affected: yes.
Comment: This variant is considered likely benign or benign based on one or more of the following criteria: it is a conservative change, it occurs at a poorly conserved position in the protein, it is predicted to be benign by multiple in silico algorithms, and/or has population frequency not consistent with disease.

Eurofins Ntd Llc (ga)
Classification: Benign. Last evaluated: 2014-11-14. Review status: criteria provided, single submitter. Criteria: EGL Classification Definitions 2015. Collection method: clinical testing. Allele origin: germline. Observed: 2 variant alleles, 2 heterozygotes.

Breakthrough Genomics
Classification: Benign. Review status: criteria provided, single submitter. Criteria: ACMG Guidelines, 2015. Collection method: not provided. Allele origin: germline. Inheritance: Autosomal dominant inheritance. Affected: yes.

PreventionGenetics, part of Exact Sciences
Classification: Benign. Review status: criteria provided, single submitter. Criteria: ACMG Guidelines, 2015. Collection method: clinical testing. Allele origin: germline.

Clinical Genetics DNA and cytogenetics Diagnostics Lab, Erasmus MC, Erasmus Medical Center
Classification: Benign. Review status: no assertion criteria provided. Collection method: clinical testing. Allele origin: germline. Affected: yes. Study: VKGL Data-share Consensus. Not counted in ClinVar's aggregate classification.

Clinical Genetics, Academic Medical Center
Classification: Benign. Review status: no assertion criteria provided. Collection method: clinical testing. Allele origin: germline. Affected: yes. Study: VKGL Data-share Consensus. Not counted in ClinVar's aggregate classification.

Genome Diagnostics Laboratory, University Medical Center Utrecht
Classification: Likely benign. Review status: no assertion criteria provided. Collection method: clinical testing. Allele origin: germline. Affected: yes. Study: VKGL Data-share Consensus. Not counted in ClinVar's aggregate classification.

Joint Genome Diagnostic Labs from Nijmegen and Maastricht, Radboudumc and MUMC+
Classification: Likely benign. Review status: no assertion criteria provided. Collection method: clinical testing. Allele origin: germline. Affected: yes. Study: VKGL Data-share Consensus. Not counted in ClinVar's aggregate classification.

Laboratory of Diagnostic Genome Analysis, Leiden University Medical Center (LUMC)
Classification: Likely benign. Review status: no assertion criteria provided. Collection method: clinical testing. Allele origin: germline. Affected: yes. Study: VKGL Data-share Consensus. Not counted in ClinVar's aggregate classification.

NM_001458.5(FLNC):c.4928-7T>C

Gene: FLNC (filamin C; plus strand). Cytogenetic location: 7q32.1.
Variant type: single nucleotide variant.
Coding change: c.4928-7T>C on transcript NM_001458.5 (MANE Select); 7 bases into the intron before coding-DNA position 4928, T replaced by C.
Molecular consequence: intron variant.
Genome position (GRCh38, 1-based): chr7:128,849,174, T>C. VCF-style: chr7-128849174-T-C. GRCh37 (hg19) VCF-style: chr7-128489228-T-C.
Other names: p.?; c.4928-7T>C (NM_001127487.2).
Identifiers: ClinVar variation 196167 (VCV000196167.66), dbSNP rs201957008, ClinGen allele CA202173.